The following is an entry in ClinVar:

ClinVar aggregate classification (germline): Conflicting classifications of pathogenicity. Review status: criteria provided, conflicting classifications (1 of 4 stars). 2 submissions from 2 submitters: Uncertain significance (1); Likely benign (1). Last evaluated 2026-03-18.

Conditions:
COL2A1-related disorder. Also called: COL2A1-related condition; COL2A1-related disorders.

Allele frequency attached by ClinVar (database versions not stated): gnomAD exomes 0.00001; ExAC 0.00002; gnomAD 0.00002; TOPMed 0.00002.
gnomAD v4.1: 10 of 1,611,172 alleles (0.00062%); highest among the groups gnomAD compares: Non-Finnish European, 0.00085%; no homozygotes.

Submissions (2):

PreventionGenetics, part of Exact Sciences
Classification: Uncertain significance for COL2A1-related condition. Last evaluated: 2026-03-18. Review status: criteria provided, single submitter. Criteria: ACMG Guidelines, 2015. Collection method: clinical testing. Allele origin: germline.
Comment: The COL2A1 c.2200T>A variant is predicted to result in the amino acid substitution p.Ser734Thr. To our knowledge, this variant has not been reported in the literature. This variant is present in 0.0032% of alleles in individuals of European (Non-Finnish) descent in gnomAD. At this time, the clinical significance of this variant is uncertain due to the absence of conclusive functional and genetic evidence.

Labcorp Genetics (formerly Invitae), Labcorp
Classification: Likely benign. Last evaluated: 2025-12-17. Review status: criteria provided, single submitter. Criteria: Invitae Variant Classification Sherloc (09022015). Collection method: clinical testing. Allele origin: germline.

NM_001844.5(COL2A1):c.2200T>A (p.Ser734Thr)

Gene: COL2A1 (collagen type II alpha 1 chain; minus strand). Cytogenetic location: 12q13.11.
Variant type: single nucleotide variant.
Coding change: c.2200T>A on transcript NM_001844.5 (MANE Select); coding-DNA position 2200, T replaced by A.
Protein change: p.Ser734Thr; replaces serine 734 with threonine.
Molecular consequence: missense variant.
Genome position (GRCh38, 1-based): chr12:47,982,603, A>T on the plus strand (T>A on the coding strand, the complement: COL2A1 is on the minus strand). VCF-style: chr12-47982603-A-T. GRCh37 (hg19) VCF-style: chr12-48376386-A-T.
Other names: c.1993T>A, p.Ser665Thr (NM_033150.3); c.2200T>A (NM_001844.4); short protein forms S665T, S734T.
Identifiers: ClinVar variation 2187534 (VCV002187534.5), dbSNP rs761777584, ClinGen allele CA6535184.
Genomic context (GRCh38, chr12:47,982,603, plus strand): 5'-CGCCAGGCATTCCCTGAAGACCTGGAGGGCCCTGAGCCCCAGGGGGGCCTGCTGGGCCAG[A>T]TGCACCCTGGGGAGGGAGGTAAGAGGGAGTCTGTAGTGGACAGCACCTCTCCCTGAACCC-3'
Protein context (NP_001835.3, residues 724-744): TPGTDGPKGA[Ser734Thr]GPAGPPGAQG